The following is an entry in ClinVar:

NM_001195263.2(PDZD7):c.306C>T (p.Arg102=)

Gene: PDZD7 (PDZ domain containing 7; minus strand). Cytogenetic location: 10q24.31.
Variant type: single nucleotide variant.
Coding change: c.306C>T on transcript NM_001195263.2 (MANE Select); coding-DNA position 306, C replaced by T.
Protein change: p.Arg102=; no amino-acid change (arginine 102 retained).
Molecular consequence: synonymous variant.
Genome position (GRCh38, 1-based): chr10:101,023,989, G>A on the plus strand (C>T on the coding strand, the complement: PDZD7 is on the minus strand). VCF-style: chr10-101023989-G-A. GRCh37 (hg19) VCF-style: chr10-102783746-G-A.
Other names: c.306C>T, p.Arg102= (NM_001351044.2, NM_024895.5).
Identifiers: ClinVar variation 46210 (VCV000046210.15), dbSNP rs141305163, ClinGen allele CA137880.
Genomic context (GRCh38, chr10:101,023,989, plus strand): 5'-TGCACTGCTGCCTTCCTCCACTTTGCTGACGAAGATGCCCAGGCCATGCTCTGAGCCCCC[G>A]CGCACGCTGAAGCCCAGCCTCCCTGCTGGACTCTTCTCCACCCGGACTGAATGGATGATG-3'
Protein context (NP_001182192.1, residues 92-112): SPAGRLGFSV[Arg102=]GGSEHGLGIF

ClinVar aggregate classification (germline): Likely benign. Review status: criteria provided, multiple submitters, no conflicts (2 of 4 stars). 4 submissions from 4 submitters: Likely benign (4). Last evaluated 2026-05-01.

Allele frequency attached by ClinVar (database versions not stated): gnomAD exomes 0.00004 and 0.00003; ExAC 0.00007; TOPMed 0.00002; gnomAD 0.00005; ESP Exome Variant Server 0.00015.
gnomAD v4.1: 46 of 1,614,116 alleles (0.0028%); highest among the groups gnomAD compares: East Asian, 0.013%; no homozygotes.

Submissions (4):

CeGaT Center for Human Genetics Tuebingen
Classification: Likely benign. Last evaluated: 2026-05-01. Review status: criteria provided, single submitter. Criteria: CeGaT Center For Human Genetics Tuebingen Variant Classification Criteria Version 2. Collection method: clinical testing. Allele origin: germline. Affected: yes. Observed: 1 variant allele.
Comment: PDZD7: BP4, BP7

Labcorp Genetics (formerly Invitae), Labcorp
Classification: Likely benign. Last evaluated: 2025-01-25. Review status: criteria provided, single submitter. Criteria: Invitae Variant Classification Sherloc (09022015). Collection method: clinical testing. Allele origin: germline.

Blueprint Genetics
Classification: Likely benign. Last evaluated: 2024-02-21. Review status: criteria provided, single submitter. Criteria: ACMG Guidelines, 2015. Collection method: clinical testing. Allele origin: germline.

Laboratory for Molecular Medicine, Mass General Brigham Personalized Medicine
Classification: Likely benign. Last evaluated: 2012-04-30. Review status: criteria provided, single submitter. Criteria: LMM Criteria. Collection method: clinical testing. Allele origin: germline. Observed: 1 variant allele.
Comment: Arg102Arg in Exon 03 of PDZD7: This variant is not expected to have clinical sig nificance because it does not alter an amino acid residue, is not located within the splice consensus sequence, and has been identified in 1/7020 European Ameri can chromosomes from a broad population by the NHLBI Exome Sequencing Project (dbSNP rs141305163).